The following is an entry in ClinVar:

ClinVar aggregate classification (germline): Likely benign (0 of 4 stars; one submission).

Conditions:
TFG-related disorder. Also called: TFG-related condition; TFG-related disorders.

Submission:

PreventionGenetics, part of Exact Sciences
Classification: Likely benign for TFG-related condition. Last evaluated: 2024-08-08. Review status: no assertion criteria provided. Collection method: clinical testing. Allele origin: germline.
Comment: This variant is classified as likely benign based on ACMG/AMP sequence variant interpretation guidelines (Richards et al. 2015 PMID: 25741868, with internal and published modifications).

NM_006070.6(TFG):c.722-10del

Gene: TFG (trafficking from ER to golgi regulator; plus strand). Cytogenetic location: 3q12.2.
Variant type: Deletion.
Coding change: c.722-10del on transcript NM_006070.6 (MANE Select); 10 bases into the intron before coding-DNA position 722, one base deleted (G; older notation c.722-10delG).
Molecular consequence: intron variant.
Genome position (GRCh38, 1-based): chr3:100,744,823, G deleted. VCF-style (leftmost placement, unchanged base first): chr3-100744822-TG-T. GRCh37 (hg19) VCF-style: chr3-100463666-TG-T.
Other names: c.722-10del (NM_001007565.2, NM_001195478.2); c.710-10del (NM_001195479.2).
Identifiers: ClinVar variation 3347304 (VCV003347304.1).